The following is an entry in ClinVar:

NM_001104631.2(PDE4D):c.682C>G (p.Gln228Glu)

Gene: PDE4D (phosphodiesterase 4D; minus strand). Cytogenetic location: 5q11.2.
Variant type: single nucleotide variant.
Coding change: c.682C>G on transcript NM_001104631.2 (MANE Select); coding-DNA position 682, C replaced by G.
Protein change: p.Gln228Glu; replaces glutamine 228 with glutamic acid.
Molecular consequence: missense variant. On other transcripts: 5 prime UTR variant (3).
Genome position (GRCh38, 1-based): chr5:59,193,502, G>C on the plus strand (C>G on the coding strand, the complement: PDE4D is on the minus strand). VCF-style: chr5-59193502-G-C. GRCh37 (hg19) VCF-style: chr5-58489328-G-C.
Other names: c.499C>G, p.Gln167Glu (NM_001165899.2, NM_001364599.1, NM_001364600.2); c.490C>G, p.Gln164Glu (NM_001197218.2, NM_001364602.2); c.316C>G, p.Gln106Glu (NM_001197219.2); c.292C>G, p.Gln98Glu (NM_001197220.2); c.469C>G, p.Gln157Glu (NM_001349241.2); c.352C>G, p.Gln118Glu (NM_001349242.2); c.-13C>G (NM_001349243.2, NM_001364604.1); c.-269C>G (NM_001364603.1); and 1 more; short protein forms Q228E, Q167E, Q157E, Q98E, Q164E, Q92E, Q106E, Q118E.
Identifiers: ClinVar variation 30039 (VCV000030039.8), dbSNP rs397514468, ClinGen allele CA128854.

ClinVar aggregate classification (germline): Pathogenic. Review status: criteria provided, single submitter (1 of 4 stars). 2 submissions from 2 submitters: Pathogenic (1). 1 of the submissions does not count toward it. Last evaluated 2022-12-03.

Conditions:
Acrodysostosis 2 with or without hormone resistance. Also called: ACRODYSOSTOSIS 2 WITH HORMONE RESISTANCE; ACRODYSOSTOSIS 2 WITHOUT HORMONE RESISTANCE. Identifiers: Orphanet 280651, MedGen C3553250, MONDO:0013822, OMIM 614613.

Submissions (2):

Labcorp Genetics (formerly Invitae), Labcorp
Classification: Pathogenic. Last evaluated: 2022-12-03. Review status: criteria provided, single submitter. Criteria: Invitae Variant Classification Sherloc (09022015). Collection method: clinical testing. Allele origin: germline.
Comment: ClinVar contains an entry for this variant (Variation ID: 30039). Algorithms developed to predict the effect of missense changes on protein structure and function are either unavailable or do not agree on the potential impact of this missense change (SIFT: "Tolerated"; PolyPhen-2: "Probably Damaging"; Align-GVGD: "Class C0"). Experimental studies have shown that this missense change affects PDE4D function (PMID: 24203977). For these reasons, this variant has been classified as Pathogenic. This sequence change replaces glutamine, which is neutral and polar, with glutamic acid, which is acidic and polar, at codon 228 of the PDE4D protein (p.Gln228Glu). This variant is not present in population databases (gnomAD no frequency). This missense change has been observed in individual(s) with acrodysostosis (PMID: 22464252). In at least one individual the variant was observed to be de novo.

OMIM
Classification: Pathogenic for ACRODYSOSTOSIS 2 WITHOUT HORMONE RESISTANCE. Last evaluated: 2024-02-28. Review status: no assertion criteria provided. Collection method: literature only. Allele origin: germline. Not counted in ClinVar's aggregate classification.

Literature cited by the submitters: PubMed 24203977 (cited by Labcorp Genetics (formerly Invitae), Labcorp); PubMed 22464252 (cited by Labcorp Genetics (formerly Invitae), Labcorp); PubMed 12121997 (cited by OMIM).